The following is an entry in ClinVar:

NM_130384.3(ATRIP):c.703C>T (p.Pro235Ser)

Genes: ATRIP (ATR interacting protein; plus strand), ATRIP-TREX1 (ATRIP-TREX1 readthrough; plus strand). Cytogenetic location: 3p21.31.
Variant type: single nucleotide variant.
Coding change: c.703C>T on transcript NM_130384.3 (MANE Select); coding-DNA position 703, C replaced by T.
Protein change: p.Pro235Ser; replaces proline 235 with serine.
Molecular consequence: missense variant. On other transcripts: non-coding transcript variant (1).
Genome position (GRCh38, 1-based): chr3:48,457,290, C>T. VCF-style: chr3-48457290-C-T. GRCh37 (hg19) VCF-style: chr3-48498690-C-T.
Other names: c.322C>T, p.Pro108Ser (NM_001271022.2); c.424C>T, p.Pro142Ser (NM_001271023.2); c.703C>T, p.Pro235Ser (NM_032166.4); short protein forms P142S, P108S, P235S.
Identifiers: ClinVar variation 4182039 (VCV004182039.1).

ClinVar aggregate classification (germline): Uncertain significance (1 of 4 stars; one submission).

gnomAD v4.1: 3 of 1,598,028 alleles (0.00019%); highest among the groups gnomAD compares: Non-Finnish European, 0.00017%; no homozygotes.

Submission:

Ambry Genetics
Classification: Uncertain significance. Last evaluated: 2025-07-10. Review status: criteria provided, single submitter. Criteria: Ambry Variant Classification Scheme 2023. Collection method: clinical testing. Allele origin: germline.
Comment: The p.P235S variant (also known as c.703C>T), located in coding exon 5 of the ATRIP gene, results from a C to T substitution at nucleotide position 703. The proline at codon 235 is replaced by serine, an amino acid with similar properties. This amino acid position is conserved. In addition, this alteration is predicted to be tolerated by in silico analysis. Based on the available evidence, the clinical significance of this variant remains unclear.